The following is an entry in ClinVar:

NM_203475.3(PORCN):c.198C>T (p.His66=)

Gene: PORCN (porcupine O-acyltransferase; plus strand). Cytogenetic location: Xp11.23.
Variant type: single nucleotide variant.
Coding change: c.198C>T on transcript NM_203475.3 (MANE Select); coding-DNA position 198, C replaced by T.
Protein change: p.His66=; no amino-acid change (histidine 66 retained).
Molecular consequence: synonymous variant. On other transcripts: non-coding transcript variant (1), intron variant (2).
Genome position (GRCh38, 1-based): chrX:48,511,356, C>T. VCF-style: chrX-48511356-C-T. GRCh37 (hg19) VCF-style: chrX-48369744-C-T.
Other names: c.537C>T, p.His179= (NM_001441333.1, NM_001441334.1); c.303C>T, p.His101= (NM_001441335.1); c.198C>T, p.His66= (NM_022825.4, NM_203473.3, NM_203474.1); c.400-10C>T (NM_001441336.1); c.-6-10C>T (NM_001282167.2).
Identifiers: ClinVar variation 4885811 (VCV004885811.2).

ClinVar aggregate classification (germline): Likely pathogenic (1 of 4 stars; one submission).

Submission:

Dasa
Classification: Likely pathogenic. Last evaluated: 2025-05-20. Review status: criteria provided, single submitter. Criteria: DASA Assertion Criteria. Collection method: clinical testing. Allele origin: germline.
Comment: NM_001282167.2(PORCN):c.-6-10C>T is a splice-region variant predicted to affect normal RNA splicing. This variant is absent from population databases. Computational evidence supports a deleterious effect. Based on the currently available evidence, this variant is classified as likely pathogenic.